The following is an entry in ClinVar:

ClinVar aggregate classification (germline): Uncertain significance (1 of 4 stars; one submission).

Conditions:
Epilepsy, progressive myoclonic, 1B. Also called: PME. Identifiers: Orphanet 308, MedGen C2676254, MONDO:0012904, OMIM 612437.

Submission:

Institute of Human Genetics, University of Leipzig Medical Center
Classification: Uncertain significance for Epilepsy, progressive myoclonic, 1B. Last evaluated: 2024-02-26. Review status: criteria provided, single submitter. Criteria: ACMG Guidelines, 2015. Collection method: clinical testing. Allele origin: de novo. Inheritance: Autosomal dominant inheritance. Affected: yes.
Comment: Criteria applied: PS2_SUP,PM2_SUP,PP3

NM_153026.3(PRICKLE1):c.128A>G (p.Glu43Gly)

Gene: PRICKLE1 (prickle planar cell polarity protein 1; minus strand). Cytogenetic location: 12q12.
Variant type: single nucleotide variant.
Coding change: c.128A>G on transcript NM_153026.3 (MANE Select); coding-DNA position 128, A replaced by G.
Protein change: p.Glu43Gly; replaces glutamic acid 43 with glycine.
Molecular consequence: missense variant.
Genome position (GRCh38, 1-based): chr12:42,472,389, T>C on the plus strand (A>G on the coding strand, the complement: PRICKLE1 is on the minus strand). VCF-style: chr12-42472389-T-C. GRCh37 (hg19) VCF-style: chr12-42866191-T-C.
Other names: c.128A>G, p.Glu43Gly (NM_001144882.2, NM_001144883.2, NM_001144881.2); short protein forms E43G.
Identifiers: ClinVar variation 982781 (VCV000982781.3), dbSNP rs1938359399, ClinGen allele CA384444704.
Genomic context (GRCh38, chr12:42,472,389, plus strand): 5'-AAGTCTGAACTCACACTGAAAAACAAAGAGTAAATATAGGATGATGAAGTTCCTACCTGC[T>C]CTGGTCTCAGGCCCGGGGGGACCCAGGCGTACTCCTCCAATGCACAGCCAGAGTCATCAT-3'
Protein context (NP_694571.2, residues 33-53): YAWVPPGLRP[Glu43Gly]QIQLYFACLP